The following is an entry in ClinVar:

NM_005807.6(PRG4):c.3157C>T (p.Arg1053Cys)

Gene: PRG4 (proteoglycan 4; plus strand). Cytogenetic location: 1q31.1.
Variant type: single nucleotide variant.
Coding change: c.3157C>T on transcript NM_005807.6 (MANE Select); coding-DNA position 3157, C replaced by T.
Protein change: p.Arg1053Cys; replaces arginine 1053 with cysteine.
Molecular consequence: missense variant.
Genome position (GRCh38, 1-based): chr1:186,308,876, C>T. VCF-style: chr1-186308876-C-T. GRCh37 (hg19) VCF-style: chr1-186278008-C-T.
Other names: c.3034C>T, p.Arg1012Cys (NM_001127708.3); c.2878C>T, p.Arg960Cys (NM_001127709.3); c.2755C>T, p.Arg919Cys (NM_001127710.3); c.3028C>T, p.Arg1010Cys (NM_001303232.2); short protein forms R1010C, R1012C, R1053C, R919C, R960C.
Identifiers: ClinVar variation 1690442 (VCV001690442.3), dbSNP rs61729245, ClinGen allele CA1296552.
Genomic context (GRCh38, chr1:186,308,876, plus strand): 5'-TCTACCAAAAAGCCAAAAACAATGCCTAGAGTGAGAAAACCAAAGACGACACCAACTCCC[C>T]GCAAGATGACATCAACAATGCCAGAATTGAACCCTACCTCAAGAATAGCAGAAGCCATGC-3'
Protein context (NP_005798.3, residues 1043-1063): VRKPKTTPTP[Arg1053Cys]KMTSTMPELN

ClinVar aggregate classification (germline): Likely benign. Review status: criteria provided, multiple submitters, no conflicts (2 of 4 stars). 2 submissions from 2 submitters: Likely benign (2). Last evaluated 2021-09-01.

Allele frequency attached by ClinVar (database versions not stated): gnomAD 0.00701 and 0.00744; TOPMed 0.00778; ESP Exome Variant Server 0.00807; 1000 Genomes Project 30x 0.00890; 1000 Genomes Project 0.00958.
gnomAD v4.1: 2,184 of 1,613,706 alleles (0.14%); highest among the groups gnomAD compares: African/African-American, 2.5%; 38 homozygotes.

Submissions (2):

Laboratorio de Genetica e Diagnostico Molecular, Hospital Israelita Albert Einstein
Classification: Likely benign. Last evaluated: 2021-09-01. Review status: criteria provided, single submitter. Criteria: ACMG Guidelines, 2015. Collection method: clinical testing. Allele origin: germline. Affected: yes.
Comment: ACMG classification criteria: BS2, BP4

Breakthrough Genomics
Classification: Likely benign. Review status: criteria provided, single submitter. Criteria: ACMG Guidelines, 2015. Collection method: not provided. Allele origin: germline. Inheritance: Autosomal recessive inheritance. Affected: yes.